The following is an entry in ClinVar:

ClinVar aggregate classification (germline): Uncertain significance (1 of 4 stars; one submission).

Conditions:
Hereditary cancer-predisposing syndrome. Also called: Tumor predisposition; Hereditary Cancer Syndrome; Hereditary neoplastic syndrome; Neoplastic Syndromes, Hereditary. Identifiers: Orphanet 140162, MedGen C0027672, MeSH D009386, MONDO:0015356.

gnomAD v4.1: 1 of 1,612,990 alleles (0.000062%); highest among the groups gnomAD compares: Non-Finnish European, 0.000085%; no homozygotes.

Submission:

Ambry Genetics
Classification: Uncertain significance for Hereditary cancer-predisposing syndrome. Last evaluated: 2024-03-18. Review status: criteria provided, single submitter. Criteria: Ambry Variant Classification Scheme 2023. Collection method: clinical testing. Allele origin: germline.
Comment: The p.L63P variant (also known as c.188T>C), located in coding exon 1 of the ALK gene, results from a T to C substitution at nucleotide position 188. The leucine at codon 63 is replaced by proline, an amino acid with similar properties. This amino acid position is conserved. In addition, this alteration is predicted to be deleterious by in silico analysis. Based on the available evidence, the clinical significance of this alteration remains unclear.

NM_004304.5(ALK):c.188T>C (p.Leu63Pro)

Gene: ALK (ALK receptor tyrosine kinase; minus strand). Cytogenetic location: 2p23.1.
Variant type: single nucleotide variant.
Coding change: c.188T>C on transcript NM_004304.5 (MANE Select); coding-DNA position 188, T replaced by C.
Protein change: p.Leu63Pro; replaces leucine 63 with proline.
Molecular consequence: missense variant.
Genome position (GRCh38, 1-based): chr2:29,920,472, A>G on the plus strand (T>C on the coding strand, the complement: ALK is on the minus strand). VCF-style: chr2-29920472-A-G. GRCh37 (hg19) VCF-style: chr2-30143338-A-G.
Other names: short protein forms L63P.
Identifiers: ClinVar variation 3285420 (VCV003285420.1).